The following is an entry in ClinVar:

NM_002299.4(LCT):c.4419C>G (p.Tyr1473Ter)

Gene: LCT (lactase; minus strand). Cytogenetic location: 2q21.3.
Variant type: single nucleotide variant.
Coding change: c.4419C>G on transcript NM_002299.4 (MANE Select); coding-DNA position 4419, C replaced by G.
Protein change: p.Tyr1473Ter; replaces tyrosine 1473 with a stop codon.
Molecular consequence: nonsense.
Genome position (GRCh38, 1-based): chr2:135,804,812, G>C on the plus strand (C>G on the coding strand, the complement: LCT is on the minus strand). VCF-style: chr2-135804812-G-C. GRCh37 (hg19) VCF-style: chr2-136562382-G-C.
Other names: c.4419C>G (LRG_338t1); short protein forms Y1473*.
Identifiers: ClinVar variation 56389 (VCV000056389.2), dbSNP rs386833834, ClinGen allele CA144315.

ClinVar aggregate classification (germline): Likely pathogenic (0 of 4 stars; one submission).

Conditions:
Congenital lactase deficiency. Also called: ALACTASIA, CONGENITAL; DISACCHARIDE INTOLERANCE II. Identifiers: Orphanet 53690, MedGen C0268179, MONDO:0009115, OMIM 223000.

Submission:

Juha Muilu Group; Institute for Molecular Medicine Finland (FIMM)
Classification: Likely pathogenic for Congenital lactase deficiency. Review status: no assertion criteria provided. Collection method: not provided. Allele origin: unknown.
Comment: FinDis database variant: This variant was not found or characterized by our laboratory, data were collected from public sources: see reference
ClinVar note: Converted during submission from probable-pathogenic to Likely pathogenic.